The following is an entry in ClinVar:

ClinVar aggregate classification (germline): Conflicting classifications of pathogenicity. Review status: criteria provided, conflicting classifications (1 of 4 stars). 2 submissions from 2 submitters: Likely pathogenic (1); Uncertain significance (1). Last evaluated 2025-07-20.

gnomAD v4.1: 1 of 1,614,090 alleles (0.000062%); highest among the groups gnomAD compares: East Asian, 0.0022%; no homozygotes.

Submissions (2):

GeneDx
Classification: Uncertain significance. Last evaluated: 2025-07-20. Review status: criteria provided, single submitter. Criteria: GeneDx Variant Classification Process June 2021. Collection method: clinical testing. Allele origin: germline. Affected: yes.
Comment: Nonsense variant predicted to result in protein truncation or nonsense mediated decay in a gene for which loss of function is a known mechanism of disease; Has not been previously published as pathogenic or benign to our knowledge

ARUP Laboratories, Molecular Genetics and Genomics, ARUP Laboratories
Classification: Likely pathogenic. Last evaluated: 2024-09-05. Review status: criteria provided, single submitter. Criteria: ARUP Molecular Germline Variant Investigation Process 2024. Collection method: clinical testing. Allele origin: germline.
Comment: The VWF c.7861A>T; p.Lys2621Ter variant (rs774563410), to our knowledge, is not reported in the medical literature or gene specific databases. This variant is only observed on two alleles in the Genome Aggregation Database (v2.1.1), indicating it is not a common polymorphism. This variant induces an early termination codon and is predicted to result in a truncated protein or mRNA subject to nonsense-mediated decay. Based on available information, this variant is considered to be likely pathogenic.

NM_000552.5(VWF):c.7861A>T (p.Lys2621Ter)

Gene: VWF (von Willebrand factor; minus strand). Cytogenetic location: 12p13.31.
Variant type: single nucleotide variant.
Coding change: c.7861A>T on transcript NM_000552.5 (MANE Select); coding-DNA position 7861, A replaced by T.
Protein change: p.Lys2621Ter; replaces lysine 2621 with a stop codon.
Molecular consequence: nonsense.
Genome position (GRCh38, 1-based): chr12:5,967,512, T>A on the plus strand (A>T on the coding strand, the complement: VWF is on the minus strand). VCF-style: chr12-5967512-T-A. GRCh37 (hg19) VCF-style: chr12-6076678-T-A.
Other names: c.7861A>T (NM_000552.3); short protein forms K2621*.
Identifiers: ClinVar variation 3767069 (VCV003767069.2).
Genomic context (GRCh38, chr12:5,967,512, plus strand): 5'-TCCATGCCCTCGGTCCCCATTGAGCCTCTCTTACCAGGGGGCAGGGGTTGCAGGTGGTCT[T>A]CCTGCACTCCAGCTTGAATCCAGAGATGACCCCCACCTGCACCATGCAGCGGCAGGTCGT-3'